The following is an entry in ClinVar:

ClinVar aggregate classification (germline): Uncertain significance (1 of 4 stars; one submission).

Submission:

Ambry Genetics
Classification: Uncertain significance. Last evaluated: 2026-08-19. Review status: criteria provided, single submitter. Criteria: Ambry Variant Classification Scheme 2023. Collection method: clinical testing. Allele origin: germline.
Comment: The p.Q1239E variant (also known as c.3715C>G), located in coding exon 29 of the A2ML1 gene, results from a C to G substitution at nucleotide position 3715. The glutamine at codon 1239 is replaced by glutamic acid, an amino acid with highly similar properties. This amino acid position is conserved. In addition, the in silico prediction for this alteration is inconclusive. Based on the available evidence, the clinical significance of this variant remains unclear.

NM_144670.6(A2ML1):c.3715C>G (p.Gln1239Glu)

Gene: A2ML1 (alpha-2-macroglobulin like 1; plus strand). Cytogenetic location: 12p13.31.
Variant type: single nucleotide variant.
Coding change: c.3715C>G on transcript NM_144670.6 (MANE Select); coding-DNA position 3715, C replaced by G.
Protein change: p.Gln1239Glu; replaces glutamine 1239 with glutamic acid.
Molecular consequence: missense variant.
Genome position (GRCh38, 1-based): chr12:8,864,006, C>G. VCF-style: chr12-8864006-C-G. GRCh37 (hg19) VCF-style: chr12-9016602-C-G.
Other names: c.2242C>G, p.Gln748Glu (NM_001282424.3); short protein forms Q1239E, Q748E.
Identifiers: ClinVar variation 5028404 (VCV005028404.1).